The following is an entry in ClinVar:

NM_173489.5(MROH2B):c.3468C>T (p.Thr1156=)

Genes: MROH2B (maestro heat like repeat family member 2B; minus strand), LOC126807374 (CDK7 strongly-dependent group 2 enhancer GRCh37_chr5:41008527-41009726; plus strand). Cytogenetic location: 5p13.1.
Variant type: single nucleotide variant.
Coding change: c.3468C>T on transcript NM_173489.5 (MANE Select); coding-DNA position 3468, C replaced by T.
Protein change: p.Thr1156=; no amino-acid change (threonine 1156 retained).
Molecular consequence: synonymous variant.
Genome position (GRCh38, 1-based): chr5:41,008,746, G>A on the plus strand (C>T on the coding strand, the complement: MROH2B is on the minus strand). VCF-style: chr5-41008746-G-A. GRCh37 (hg19) VCF-style: chr5-41008848-G-A.
Identifiers: ClinVar variation 2655447 (VCV002655447.24), dbSNP rs185546559, ClinGen allele CA3250770.

ClinVar aggregate classification (germline): Likely benign (1 of 4 stars; one submission).

Allele frequency attached by ClinVar (database versions not stated): ESP Exome Variant Server 0.00008; 1000 Genomes Project 30x 0.00016; 1000 Genomes Project 0.00020; TOPMed 0.00032.
gnomAD v4.1: 332 of 1,613,646 alleles (0.021%); highest among the groups gnomAD compares: Middle Eastern, 0.69%; no homozygotes.

Submission:

CeGaT Center for Human Genetics Tuebingen
Classification: Likely benign. Last evaluated: 2022-10-01. Review status: criteria provided, single submitter. Criteria: CeGaT Center For Human Genetics Tuebingen Variant Classification Criteria Version 2. Collection method: clinical testing. Allele origin: germline. Affected: yes. Observed: 1 variant allele.
Comment: MROH2B: BP4, BP7